The following is an entry in ClinVar:

NM_003002.4(SDHD):c.320T>A (p.Leu107His)

Gene: SDHD (succinate dehydrogenase complex subunit D; plus strand). Cytogenetic location: 11q23.1.
Variant type: single nucleotide variant.
Coding change: c.320T>A on transcript NM_003002.4 (MANE Select); coding-DNA position 320, T replaced by A.
Protein change: p.Leu107His; replaces leucine 107 with histidine.
Molecular consequence: missense variant. On other transcripts: 3 prime UTR variant (1), non-coding transcript variant (1).
Genome position (GRCh38, 1-based): chr11:112,094,810, T>A. VCF-style: chr11-112094810-T-A. GRCh37 (hg19) VCF-style: chr11-111965534-T-A.
Other names: c.175T>A, p.Leu59Met (NM_001276503.2); c.203T>A, p.Leu68His (NM_001276504.2); c.*18T>A (NM_001276506.2); short protein forms L107H, L59M, L68H.
Identifiers: ClinVar variation 4548347 (VCV004548347.1).

ClinVar aggregate classification (germline): Uncertain significance (1 of 4 stars; one submission).

Conditions:
Hereditary cancer-predisposing syndrome. Also called: Tumor predisposition; Hereditary Cancer Syndrome; Hereditary neoplastic syndrome; Neoplastic Syndromes, Hereditary. Identifiers: Orphanet 140162, MedGen C0027672, MeSH D009386, MONDO:0015356.

Submission:

Ambry Genetics
Classification: Uncertain significance for Hereditary cancer-predisposing syndrome. Last evaluated: 2025-09-24. Review status: criteria provided, single submitter. Criteria: Ambry Variant Classification Scheme 2023. Collection method: clinical testing. Allele origin: germline.
Comment: The p.L107H variant (also known as c.320T>A), located in coding exon 4 of the SDHD gene, results from a T to A substitution at nucleotide position 320. The leucine at codon 107 is replaced by histidine, an amino acid with similar properties. This amino acid position is not well conserved in available vertebrate species. In addition, this alteration is predicted to be deleterious by in silico analysis. Based on the available evidence, the clinical significance of this variant remains unclear.